The following is an entry in ClinVar:

NM_177402.5(SYT2):c.670A>G (p.Met224Val)

Gene: SYT2 (synaptotagmin 2; minus strand). Cytogenetic location: 1q32.1.
Variant type: single nucleotide variant.
Coding change: c.670A>G on transcript NM_177402.5 (MANE Select); coding-DNA position 670, A replaced by G.
Protein change: p.Met224Val; replaces methionine 224 with valine.
Molecular consequence: missense variant.
Genome position (GRCh38, 1-based): chr1:202,602,021, T>C on the plus strand (A>G on the coding strand, the complement: SYT2 is on the minus strand). VCF-style: chr1-202602021-T-C. GRCh37 (hg19) VCF-style: chr1-202571149-T-C.
Other names: c.670A>G, p.Met224Val (NM_001136504.1); short protein forms M224V.
Identifiers: ClinVar variation 2051870 (VCV002051870.4), dbSNP rs2526969771, ClinGen allele CA344257580.

ClinVar aggregate classification (germline): Uncertain significance (1 of 4 stars; one submission).

Submission:

Labcorp Genetics (formerly Invitae), Labcorp
Classification: Uncertain significance. Last evaluated: 2022-04-13. Review status: criteria provided, single submitter. Criteria: Invitae Variant Classification Sherloc (09022015). Collection method: clinical testing. Allele origin: germline.
Comment: In summary, the available evidence is currently insufficient to determine the role of this variant in disease. Therefore, it has been classified as a Variant of Uncertain Significance. Algorithms developed to predict the effect of missense changes on protein structure and function are either unavailable or do not agree on the potential impact of this missense change (SIFT: "Deleterious"; PolyPhen-2: "Possibly Damaging"; Align-GVGD: "Class C0"). This variant has not been reported in the literature in individuals affected with SYT2-related conditions. This variant is not present in population databases (gnomAD no frequency). This sequence change replaces methionine, which is neutral and non-polar, with valine, which is neutral and non-polar, at codon 224 of the SYT2 protein (p.Met224Val).